The following is an entry in ClinVar:

NM_001377229.1(DISP1):c.3958C>G (p.Gln1320Glu)

Gene: DISP1 (dispatched RND transporter family member 1; plus strand). Cytogenetic location: 1q41.
Variant type: single nucleotide variant.
Coding change: c.3958C>G on transcript NM_001377229.1 (MANE Select); coding-DNA position 3958, C replaced by G.
Protein change: p.Gln1320Glu; replaces glutamine 1320 with glutamic acid.
Molecular consequence: missense variant.
Genome position (GRCh38, 1-based): chr1:223,005,355, C>G. VCF-style: chr1-223005355-C-G. GRCh37 (hg19) VCF-style: chr1-223178697-C-G.
Other names: c.3229C>G, p.Gln1077Glu (NM_001350630.2); c.3958C>G, p.Gln1320Glu (NM_001369594.1, NM_001377228.1, NM_032890.5); short protein forms Q1077E, Q1320E.
Identifiers: ClinVar variation 3350198 (VCV003350198.1).

ClinVar aggregate classification (germline): Uncertain significance (0 of 4 stars; one submission).

Conditions:
DISP1-related disorder. Also called: DISP1-related condition.

Submission:

PreventionGenetics, part of Exact Sciences
Classification: Uncertain significance for DISP1-related condition. Last evaluated: 2024-03-20. Review status: no assertion criteria provided. Collection method: clinical testing. Allele origin: germline.
Comment: The DISP1 c.3958C>G variant is predicted to result in the amino acid substitution p.Gln1320Glu. To our knowledge, this variant has not been reported in the literature or in a large population database, indicating this variant is rare. At this time, the clinical significance of this variant is uncertain due to the absence of conclusive functional and genetic evidence.